The following is an entry in ClinVar:

NM_002875.5(RAD51):c.877G>A (p.Ala293Thr)

Gene: RAD51 (RAD51 recombinase; plus strand). Cytogenetic location: 15q15.1.
Variant type: single nucleotide variant.
Coding change: c.877G>A on transcript NM_002875.5 (MANE Select); coding-DNA position 877, G replaced by A.
Protein change: p.Ala293Thr; replaces alanine 293 with threonine.
Molecular consequence: missense variant. On other transcripts: intron variant (1).
Genome position (GRCh38, 1-based): chr15:40,729,955, G>A. VCF-style: chr15-40729955-G-A. GRCh37 (hg19) VCF-style: chr15-41022153-G-A.
Other names: c.880G>A, p.Ala294Thr (NM_001164269.2, NM_133487.4); c.774+321G>A (NM_001164270.2); short protein forms A293T, A294T.
Identifiers: ClinVar variation 372139 (VCV000372139.10), dbSNP rs1057519413, ClinGen allele CA16044167.

ClinVar aggregate classification (germline): Pathogenic/Likely pathogenic. Review status: criteria provided, multiple submitters, no conflicts (2 of 4 stars). 6 submissions from 6 submitters: Pathogenic (3); Likely pathogenic (1). 2 of the submissions do not count toward it. Last evaluated 2025-04-02.

Conditions:
RAD51-related disorder. Also called: RAD51-related disorders; RAD51-related condition.
Fanconi anemia complementation group R. Identifiers: MedGen C4284093, MONDO:0014986, OMIM 617244.
Inborn genetic diseases. Identifiers: MedGen C0950123, MeSH D030342.

Submissions (6):

GeneDx
Classification: Pathogenic. Last evaluated: 2025-04-02. Review status: criteria provided, single submitter. Criteria: GeneDx Variant Classification Process June 2021. Collection method: clinical testing. Allele origin: germline. Affected: yes.
Comment: Published functional studies demonstrate defective ATP binding and impaired function in DNA repair via homologous recombination (PMID: 26681308, 29020621); Not observed in large population cohorts (gnomAD); In silico analysis supports that this missense variant has a deleterious effect on protein structure/function; This variant is associated with the following publications: (PMID: 29020621, 37104614, 36698515, 26681308)

PreventionGenetics, part of Exact Sciences
Classification: Likely pathogenic for RAD51-related condition. Last evaluated: 2022-09-20. Review status: criteria provided, single submitter. Criteria: ACMG Guidelines, 2015. Collection method: clinical testing. Allele origin: germline.
Comment: The RAD51 c.880G>A variant is predicted to result in the amino acid substitution p.Ala294Thr. This variant has been reported as arising de novo in an individual with microcephaly and intellectual disability, and described as atypical Fanconi anemia (reported as p.Ala293Thr in alternate transcript NM_002875 in Ameziane et al. 2015. PubMed ID: 26681308). Functional studies from this same report using protein expression in cultured cells indicate that the p.Ala294Thr substitution has a dominant negative effect on the wild-type protein (Ameziane et al. 2015. PubMed ID: 26681308). This variant has not been reported in a large population database, indicating this variant is rare. Given the evidence, we interpret c.880G>A (p.Ala294Thr) as likely pathogenic.

Rady Children's Institute for Genomic Medicine, Rady Children's Hospital San Diego
Classification: Pathogenic for RAD51-related disorders. Last evaluated: 2020-08-25. Review status: criteria provided, single submitter. Criteria: ACMG Guidelines, 2015. Collection method: clinical testing. Allele origin: germline. Affected: yes.
Comment: This variant has been previously reported as a de novo alteration in a patient with an atypical Fanconi Anemia who presented with growth retardation, microcephaly, hydrocephalus, skeletal (thumb and radius) abnormalities, imperforate anus and an improperly formed left testicle (NM_002875.3: c.877G>A, p.A293T; PMID: 26681308). In vitro characterization of this alteration via functional assays and biochemical studies demonstrated that the variant acts in a dominant-negative manner leading to impaired DNA binding and strand exchange activity as well as impaired ATP hydrolysis. Furthermore, patient's cells were sensitive to DNA crosslinking agents (PMID: 26681308). The c.880G>A p.Ala294Thr variant is absent from the gnomAD population database and thus is presumed to be rare. It affects a highly conserved amino acid and is predicted by multiple in silico tools to have a deleterious effect on protein function. Analysis of the parental samples was negative for the variant, indicating this variant likely occurred as a de novo event. Based on the available evidence, the c.880G>A (p.Ala294Thr) variant is classified as Pathogenic.

Ambry Genetics
Classification: Pathogenic for Inborn genetic diseases. Last evaluated: 2016-11-15. Review status: criteria provided, single submitter. Criteria: Ambry exome assertion method (8-5-2015). Collection method: clinical testing. Allele origin: germline. Affected: yes. Observed: 1 variant allele.

OMIM
Classification: Pathogenic for FANCONI ANEMIA, COMPLEMENTATION GROUP R. Last evaluated: 2020-06-10. Review status: no assertion criteria provided. Collection method: literature only. Allele origin: germline. Not counted in ClinVar's aggregate classification.

Leiden Open Variation Database
Classification: Uncertain significance. Last evaluated: 2014-03-15. Review status: no assertion criteria provided. Collection method: curation. Allele origin: germline. Affected: yes. Not counted in ClinVar's aggregate classification.
Comment: Curator: Arleen D. Auerbach. Submitter to LOVD: Najim Ameziane. Comment: Variant observed de novo.

Literature cited by the submitters: PubMed 15908697 (cited by Ambry Genetics); PubMed 26681308 (cited by OMIM).